The following is an entry in ClinVar:

NM_001374736.1(DST):c.11542-8C>T

Gene: DST (dystonin; minus strand). Cytogenetic location: 6p12.1.
Variant type: single nucleotide variant.
Coding change: c.11542-8C>T on transcript NM_001374736.1 (MANE Select); 8 bases into the intron before coding-DNA position 11542, C replaced by T.
Molecular consequence: intron variant.
Genome position (GRCh38, 1-based): chr6:56,600,229, G>A on the plus strand (C>T on the coding strand, the complement: DST is on the minus strand). VCF-style: chr6-56600229-G-A. GRCh37 (hg19) VCF-style: chr6-56465027-G-A.
Other names: c.5185-8C>T (NM_001144769.5); c.11542-8C>T (NM_001374722.1); c.11569-8C>T (NM_001374734.1); c.4771-8C>T (NM_001144770.2); c.4651-8C>T (NM_001374730.1, NM_001386100.1, NM_183380.4); c.10909-8C>T (NM_001374729.1); c.3673-8C>T (NM_015548.5).
Identifiers: ClinVar variation 796001 (VCV000796001.50), dbSNP rs370887046, ClinGen allele CA3868633.
Genomic context (GRCh38, chr6:56,600,229, plus strand): 5'-TCACATATCCCTTGGAGTTTCTCTTTATACTCCTGCTGACGCTCTGCTACAATCTAAAGT[G>A]AAGAAAACCCAAAACATCTTAAATGTATGGTGGTCACAAAATCGCTATTGTGATAGCTTC-3'

ClinVar aggregate classification (germline): Likely benign. Review status: criteria provided, multiple submitters, no conflicts (2 of 4 stars). 5 submissions from 5 submitters: Likely benign (2). 3 of the submissions do not count toward it. Last evaluated 2025-12-27.

Conditions:
Hereditary sensory and autonomic neuropathy type 6. Also called: HSAN VI; Neuropathy, hereditary sensory and autonomic, type VI. Identifiers: Orphanet 314381, MedGen C3539003, MONDO:0013839, OMIM 614653.
Epidermolysis bullosa simplex 3, localized or generalized intermediate, with BP230 deficiency (EBS3). Also called: Epidermolysis bullosa simplex, autosomal recessive 2; Epidermolysis bullosa simplex due to BP230 deficiency. Identifiers: Orphanet 412181, MedGen C3809470, MONDO:0014180, OMIM 615425.

Allele frequency attached by ClinVar (database versions not stated): gnomAD 0.00060 and 0.00055; gnomAD exomes 0.00051 and 0.00103; TOPMed 0.00051; ExAC 0.00049; ESP Exome Variant Server 0.00076.
gnomAD v4.1: 1,549 of 1,608,124 alleles (0.096%); highest among the groups gnomAD compares: Non-Finnish European, 0.13%; 3 homozygotes.

Submissions (5):

Labcorp Genetics (formerly Invitae), Labcorp
Classification: Likely benign for Epidermolysis bullosa simplex 3, localized or generalized intermediate, with BP230 deficiency; Hereditary sensory and autonomic neuropathy type 6. Last evaluated: 2025-12-27. Review status: criteria provided, single submitter. Criteria: Invitae Variant Classification Sherloc (09022015). Collection method: clinical testing. Allele origin: germline.

CeGaT Center for Human Genetics Tuebingen
Classification: Likely benign. Last evaluated: 2025-03-01. Review status: criteria provided, single submitter. Criteria: CeGaT Center For Human Genetics Tuebingen Variant Classification Criteria Version 2. Collection method: clinical testing. Allele origin: germline. Affected: yes. Observed: 4 variant alleles.
Comment: DST: BP4

Clinical Genetics DNA and cytogenetics Diagnostics Lab, Erasmus MC, Erasmus Medical Center
Classification: Likely benign. Review status: no assertion criteria provided. Collection method: clinical testing. Allele origin: germline. Affected: yes. Study: VKGL Data-share Consensus. Not counted in ClinVar's aggregate classification.

Clinical Genetics, Academic Medical Center
Classification: Likely benign. Review status: no assertion criteria provided. Collection method: clinical testing. Allele origin: germline. Affected: yes. Study: VKGL Data-share Consensus. Not counted in ClinVar's aggregate classification.

Genome Diagnostics Laboratory, University Medical Center Utrecht
Classification: Likely benign. Review status: no assertion criteria provided. Collection method: clinical testing. Allele origin: germline. Affected: yes. Study: VKGL Data-share Consensus. Not counted in ClinVar's aggregate classification.